The following is an entry in ClinVar:

ClinVar aggregate classification (germline): Uncertain significance (1 of 4 stars; one submission).

Conditions:
MAFB-related disorder. Also called: MAFB-related condition.

gnomAD v4.1: 52 of 1,613,788 alleles (0.0032%); highest among the groups gnomAD compares: Non-Finnish European, 0.0043%; no homozygotes.

Submission:

PreventionGenetics, part of Exact Sciences
Classification: Uncertain significance for MAFB-related condition. Last evaluated: 2026-05-31. Review status: criteria provided, single submitter. Criteria: ACMG Guidelines, 2015. Collection method: clinical testing. Allele origin: germline.
Comment: The MAFB c.140C>T variant is predicted to result in the amino acid substitution p.Thr47Ile. To our knowledge, this variant has not been reported in the literature. This variant is reported in 0.0027% of alleles in individuals of European (Non-Finnish) descent in gnomAD. At this time, the clinical significance of this variant is uncertain due to the absence of conclusive functional and genetic evidence.

NM_005461.5(MAFB):c.140C>T (p.Thr47Ile)

Gene: MAFB (MAF bZIP transcription factor B; minus strand). Cytogenetic location: 20q12.
Variant type: single nucleotide variant.
Coding change: c.140C>T on transcript NM_005461.5 (MANE Select); coding-DNA position 140, C replaced by T.
Protein change: p.Thr47Ile; replaces threonine 47 with isoleucine.
Molecular consequence: missense variant.
Genome position (GRCh38, 1-based): chr20:40,688,711, G>A on the plus strand (C>T on the coding strand, the complement: MAFB is on the minus strand). VCF-style: chr20-40688711-G-A. GRCh37 (hg19) VCF-style: chr20-39317351-G-A.
Other names: short protein forms T47I.
Identifiers: ClinVar variation 4986947 (VCV004986947.1).